The following is an entry in ClinVar:

NM_000834.5(GRIN2B):c.1807G>A (p.Gly603Ser)

Gene: GRIN2B (glutamate ionotropic receptor NMDA type subunit 2B; minus strand). Cytogenetic location: 12p13.1.
Variant type: single nucleotide variant.
Coding change: c.1807G>A on transcript NM_000834.5 (MANE Select); coding-DNA position 1807, G replaced by A.
Protein change: p.Gly603Ser; replaces glycine 603 with serine.
Molecular consequence: missense variant.
Genome position (GRCh38, 1-based): chr12:13,608,806, C>T on the plus strand (G>A on the coding strand, the complement: GRIN2B is on the minus strand). VCF-style: chr12-13608806-C-T. GRCh37 (hg19) VCF-style: chr12-13761740-C-T.
Other names: c.1807G>A, p.Gly603Ser (NM_001413992.1); short protein forms G603S.
Identifiers: ClinVar variation 2937095 (VCV002937095.3), dbSNP rs1156304737, ClinGen allele CA384051303.

ClinVar aggregate classification (germline): Uncertain significance (1 of 4 stars; one submission).

Conditions:
Intellectual developmental disorder, autosomal dominant 6, with or without seizures. Also called: GRIN2B-related developmental delay, intellectual disability and autism spectrum disorder; Intellectual disability, autosomal dominant 6. Identifiers: Orphanet 589547, MedGen C3151411, MONDO:0013509, OMIM 613970.
Developmental and epileptic encephalopathy, 27 (DEE27). Also called: Epileptic encephalopathy, early infantile, 27; GRIN2B-Related Neurodevelopmental Disorder. Identifiers: Orphanet 3451, MedGen C4015316, MONDO:0014505, OMIM 616139.

Allele frequency attached by ClinVar (database versions not stated): gnomAD exomes below 0.00001.
gnomAD v4.1: 6 of 1,613,948 alleles (0.00037%); highest among the groups gnomAD compares: South Asian, 0.0022%; no homozygotes.

Submission:

Labcorp Genetics (formerly Invitae), Labcorp
Classification: Uncertain significance for Developmental and epileptic encephalopathy, 27; Intellectual developmental disorder, autosomal dominant 6, with or without seizures. Last evaluated: 2025-09-14. Review status: criteria provided, single submitter. Criteria: Invitae Variant Classification Sherloc (09022015). Collection method: clinical testing. Allele origin: germline.
Comment: This sequence change replaces glycine, which is neutral and non-polar, with serine, which is neutral and polar, at codon 603 of the GRIN2B protein (p.Gly603Ser). This variant is present in population databases (no rsID available, gnomAD 0.0009%). This variant has not been reported in the literature in individuals affected with GRIN2B-related conditions. ClinVar contains an entry for this variant (Variation ID: 2937095). Invitae Evidence Modeling of protein sequence and biophysical properties (such as structural, functional, and spatial information, amino acid conservation, physicochemical variation, residue mobility, and thermodynamic stability) has been performed for this missense variant. However, the output from this modeling did not meet the statistical confidence thresholds required to predict the impact of this variant on GRIN2B protein function. In summary, the available evidence is currently insufficient to determine the role of this variant in disease. Therefore, it has been classified as a Variant of Uncertain Significance.